The following is an entry in ClinVar:

ClinVar aggregate classification (germline): Likely benign (0 of 4 stars; one submission).

Conditions:
OTUD7A-related disorder. Also called: OTUD7A-related condition.

gnomAD v4.1: 32 of 1,169,176 alleles (0.0027%); highest among the groups gnomAD compares: African/African-American, 0.005%; no homozygotes.

Submission:

PreventionGenetics, part of Exact Sciences
Classification: Likely benign for OTUD7A-related condition. Last evaluated: 2019-06-24. Review status: no assertion criteria provided. Collection method: clinical testing. Allele origin: germline.
Comment: This variant is classified as likely benign based on ACMG/AMP sequence variant interpretation guidelines (Richards et al. 2015 PMID: 25741868, with internal and published modifications).

NM_001382637.1(OTUD7A):c.2067T>C (p.Ala689=)

Gene: OTUD7A (OTU deubiquitinase 7A; minus strand). Cytogenetic location: 15q13.3.
Variant type: single nucleotide variant.
Coding change: c.2067T>C on transcript NM_001382637.1 (MANE Select); coding-DNA position 2067, T replaced by C.
Protein change: p.Ala689=; no amino-acid change (alanine 689 retained).
Molecular consequence: synonymous variant.
Genome position (GRCh38, 1-based): chr15:31,484,029, A>G on the plus strand (T>C on the coding strand, the complement: OTUD7A is on the minus strand). VCF-style: chr15-31484029-A-G. GRCh37 (hg19) VCF-style: chr15-31776232-A-G.
Other names: c.2046T>C, p.Ala682= (NM_130901.3).
Identifiers: ClinVar variation 3042471 (VCV003042471.2), dbSNP rs1398694572, ClinGen allele CA489645315.